The following is an entry in ClinVar:

NM_001555.5(IGSF1):c.3024C>T (p.Ala1008=)

Gene: IGSF1 (immunoglobulin superfamily member 1; minus strand). Cytogenetic location: Xq26.1.
Variant type: single nucleotide variant.
Coding change: c.3024C>T on transcript NM_001555.5 (MANE Select); coding-DNA position 3024, C replaced by T.
Protein change: p.Ala1008=; no amino-acid change (alanine 1008 retained).
Molecular consequence: synonymous variant.
Genome position (GRCh38, 1-based): chrX:131,275,638, G>A on the plus strand (C>T on the coding strand, the complement: IGSF1 is on the minus strand). VCF-style: chrX-131275638-G-A. GRCh37 (hg19) VCF-style: chrX-130409612-G-A.
Other names: c.3039C>T, p.Ala1013= (NM_001170961.2); c.2997C>T, p.Ala999= (NM_001170962.2).
Identifiers: ClinVar variation 3358772 (VCV003358772.1).
Genomic context (GRCh38, chrX:131,275,638, plus strand): 5'-TATATTGGTGATGGGGAATGCCCCGTCATTACTGGTGGATCCCCAGAGCTGCATTGAAGT[G>A]GCTTCTCCTTCTTTGTGCAGAATGTATCCTACTCCATGGACCGGCCCTCGGCACCAGAGA-3'
Protein context (NP_001546.2, residues 998-1018): VGYILHKEGE[Ala1008=]TSMQLWGSTS

ClinVar aggregate classification (germline): Likely benign (0 of 4 stars; one submission).

Conditions:
IGSF1-related disorder. Also called: IGSF1-related condition.

gnomAD v4.1: 58 of 1,209,581 alleles (0.0048%); highest among the groups gnomAD compares: African/African-American, 0.095%; no homozygotes.

Submission:

PreventionGenetics, part of Exact Sciences
Classification: Likely benign for IGSF1-related condition. Last evaluated: 2019-08-13. Review status: no assertion criteria provided. Collection method: clinical testing. Allele origin: germline.
Comment: This variant is classified as likely benign based on ACMG/AMP sequence variant interpretation guidelines (Richards et al. 2015 PMID: 25741868, with internal and published modifications).